The following is an entry in ClinVar:

ClinVar aggregate classification (germline): Likely pathogenic. Review status: criteria provided, multiple submitters, no conflicts (2 of 4 stars). 2 submissions from 2 submitters: Likely pathogenic (2). Last evaluated 2023-04-18.

Conditions:
Arthrogryposis multiplex congenita 6. Identifiers: MedGen C5543431, MONDO:0030281, OMIM 619334.
Nemaline myopathy 2 (NEM2). Also called: Nemaline myopathy 2, autosomal recessive. Identifiers: MedGen C1850569, MONDO:0009725, OMIM 256030.

Submissions (2):

Baylor Genetics
Classification: Likely pathogenic for Arthrogryposis multiplex congenita 6. Last evaluated: 2023-04-18. Review status: criteria provided, single submitter. Criteria: ACMG Guidelines, 2015. Collection method: clinical testing. Allele origin: unknown.

Labcorp Genetics (formerly Invitae), Labcorp
Classification: Likely pathogenic for Nemaline myopathy 2. Last evaluated: 2022-07-23. Review status: criteria provided, single submitter. Criteria: Invitae Variant Classification Sherloc (09022015). Collection method: clinical testing. Allele origin: germline.
Comment: In summary, the currently available evidence indicates that the variant is pathogenic, but additional data are needed to prove that conclusively. Therefore, this variant has been classified as Likely Pathogenic. Algorithms developed to predict the effect of sequence changes on RNA splicing suggest that this variant may disrupt the consensus splice site. This variant has not been reported in the literature in individuals affected with NEB-related conditions. This variant is not present in population databases (gnomAD no frequency). This sequence change affects a donor splice site in intron 160 of the NEB gene. It is expected to disrupt RNA splicing. Variants that disrupt the donor or acceptor splice site typically lead to a loss of protein function (PMID: 16199547), and loss-of-function variants in NEB are known to be pathogenic (PMID: 25205138).

Literature cited by the submitters: PubMed 16199547 (cited by Labcorp Genetics (formerly Invitae), Labcorp); PubMed 25205138 (cited by Labcorp Genetics (formerly Invitae), Labcorp).

NM_001164508.2(NEB):c.23127+2T>A

Genes: NEB (nebulin; minus strand), RIF1 (replication timing regulatory factor 1; plus strand). Cytogenetic location: 2q23.3.
Variant type: single nucleotide variant.
Coding change: c.23127+2T>A on transcript NM_001164508.2 (MANE Select); the canonical splice donor site of the intron after coding-DNA position 23127, T replaced by A.
Molecular consequence: splice donor variant.
Genome position (GRCh38, 1-based): chr2:151,514,316, A>T on the plus strand (T>A on the coding strand, the complement: NEB is on the minus strand). VCF-style: chr2-151514316-A-T. GRCh37 (hg19) VCF-style: chr2-152370830-A-T.
Other names: c.18024+2T>A (NM_004543.5); c.23127+2T>A (NM_001164507.2); c.23232+2T>A (NM_001271208.2, NM_001271208.1).
Identifiers: ClinVar variation 1897985 (VCV001897985.6), dbSNP rs112610938, ClinGen allele CA57618337.